The following is an entry in ClinVar:

NM_006432.5(NPC2):c.*295C>G

Genes: NPC2 (NPC intracellular cholesterol transporter 2; minus strand), SYNDIG1L (synapse differentiation inducing 1 like; minus strand). Cytogenetic location: 14q24.3.
Variant type: single nucleotide variant.
Coding change: c.*295C>G on transcript NM_006432.5 (MANE Select); 295 bases downstream of the stop codon, C replaced by G.
Molecular consequence: 3 prime UTR variant.
Genome position (GRCh38, 1-based): chr14:74,479,979, G>C on the plus strand (C>G on the coding strand, the complement: NPC2 is on the minus strand). VCF-style: chr14-74479979-G-C. GRCh37 (hg19) VCF-style: chr14-74946682-G-C.
Other names: c.*639C>G (NM_001363688.1); c.*295C>G (NM_001375440.1).
Identifiers: ClinVar variation 314235 (VCV000314235.29), dbSNP rs113587712, ClinGen allele CA10646030.

ClinVar aggregate classification (germline): Conflicting classifications of pathogenicity. Review status: criteria provided, conflicting classifications (1 of 4 stars). 2 submissions from 2 submitters: Uncertain significance (1); Benign (1). Last evaluated 2023-06-01.

Conditions:
Niemann-Pick disease, type C1. Also called: NEUROVISCERAL STORAGE DISEASE WITH VERTICAL SUPRANUCLEAR OPHTHALMOPLEGIA; NIEMANN-PICK DISEASE WITH CHOLESTEROL ESTERIFICATION BLOCK; NIEMANN-PICK DISEASE WITHOUT SPHINGOMYELINASE DEFICIENCY; NIEMANN-PICK DISEASE, CHRONIC NEURONOPATHIC FORM; NIEMANN-PICK DISEASE, VARIANT TYPE C1. Identifiers: Orphanet 646, MedGen C3179455, MONDO:0009757, OMIM 257220.

Allele frequency attached by ClinVar (database versions not stated): 1000 Genomes Project 0.00200; 1000 Genomes Project 30x 0.00203; TOPMed 0.00702; gnomAD 0.00851 and 0.00892.
gnomAD v4.1: 15,581 of 1,363,896 alleles (1.1%); highest among the groups gnomAD compares: Non-Finnish European, 1.3%; 107 homozygotes.

Submissions (2):

CeGaT Center for Human Genetics Tuebingen
Classification: Benign. Last evaluated: 2023-06-01. Review status: criteria provided, single submitter. Criteria: CeGaT Center For Human Genetics Tuebingen Variant Classification Criteria Version 2. Collection method: clinical testing. Allele origin: germline. Affected: yes. Observed: 5 variant alleles.
Comment: NPC2: BS1, BS2

Illumina Laboratory Services, Illumina
Classification: Uncertain significance for Niemann-Pick disease type C1. Last evaluated: 2018-01-13. Review status: criteria provided, single submitter. Criteria: ICSL Variant Classification Criteria 13 December 2019. Collection method: clinical testing. Allele origin: germline.